The following is an entry in ClinVar:

ClinVar aggregate classification (germline): Uncertain significance (1 of 4 stars; one submission).

Allele frequency attached by ClinVar (database versions not stated): gnomAD exomes below 0.00001.
gnomAD v4.1: 1 of 1,613,702 alleles (0.000062%); highest among the groups gnomAD compares: South Asian, 0.0011%; no homozygotes.

Submission:

Labcorp Genetics (formerly Invitae), Labcorp
Classification: Uncertain significance. Last evaluated: 2022-09-01. Review status: criteria provided, single submitter. Criteria: Invitae Variant Classification Sherloc (09022015). Collection method: clinical testing. Allele origin: germline.
Comment: ClinVar contains an entry for this variant (Variation ID: 1346051). In summary, the available evidence is currently insufficient to determine the role of this variant in disease. Therefore, it has been classified as a Variant of Uncertain Significance. Algorithms developed to predict the effect of missense changes on protein structure and function are either unavailable or do not agree on the potential impact of this missense change (SIFT: "Tolerated"; PolyPhen-2: "Probably Damaging"; Align-GVGD: "Class C0"). This variant has not been reported in the literature in individuals affected with RNF216-related conditions. This variant is present in population databases (no rsID available, gnomAD 0.003%). This sequence change replaces glycine, which is neutral and non-polar, with glutamic acid, which is acidic and polar, at codon 695 of the RNF216 protein (p.Gly695Glu).

NM_207111.4(RNF216):c.2084G>A (p.Gly695Glu)

Gene: RNF216 (ring finger protein 216; minus strand). Cytogenetic location: 7p22.1.
Variant type: single nucleotide variant.
Coding change: c.2084G>A on transcript NM_207111.4 (MANE Select); coding-DNA position 2084, G replaced by A.
Protein change: p.Gly695Glu; replaces glycine 695 with glutamic acid.
Molecular consequence: missense variant.
Genome position (GRCh38, 1-based): chr7:5,652,488, C>T on the plus strand (G>A on the coding strand, the complement: RNF216 is on the minus strand). VCF-style: chr7-5652488-C-T. GRCh37 (hg19) VCF-style: chr7-5692119-C-T.
Other names: c.1913G>A, p.Gly638Glu (NM_001377156.1, NM_207116.3); short protein forms G695E, G638E.
Identifiers: ClinVar variation 1346051 (VCV001346051.8), dbSNP rs1286167956, ClinGen allele CA366713807.